The following is an entry in ClinVar:

ClinVar aggregate classification (germline): Uncertain significance (1 of 4 stars; one submission).

Conditions:
Pontocerebellar hypoplasia type 9. Identifiers: Orphanet 369920, MedGen C4014354, MONDO:0014351, OMIM 615809.
Hereditary spastic paraplegia 63. Also called: Spastic paraplegia 63, autosomal recessive. Identifiers: Orphanet 401805, MedGen C3810295, MONDO:0014305, OMIM 615686.

Allele frequency attached by ClinVar (database versions not stated): gnomAD exomes below 0.00001; gnomAD 0.00002 and 0.00003; TOPMed 0.00002; ExAC 0.00004; ESP Exome Variant Server 0.00008.

Submission:

Labcorp Genetics (formerly Invitae), Labcorp
Classification: Uncertain significance for Pontocerebellar hypoplasia type 9; Hereditary spastic paraplegia 63. Last evaluated: 2024-11-18. Review status: criteria provided, single submitter. Criteria: Invitae Variant Classification Sherloc (09022015). Collection method: clinical testing. Allele origin: germline.
Comment: This sequence change replaces arginine, which is basic and polar, with cysteine, which is neutral and slightly polar, at codon 562 of the AMPD2 protein (p.Arg562Cys). This variant is present in population databases (rs146798795, gnomAD 0.001%). This variant has not been reported in the literature in individuals affected with AMPD2-related conditions. ClinVar contains an entry for this variant (Variation ID: 939658). An algorithm developed to predict the effect of missense changes on protein structure and function (PolyPhen-2) suggests that this variant is likely to be disruptive. In summary, the available evidence is currently insufficient to determine the role of this variant in disease. Therefore, it has been classified as a Variant of Uncertain Significance.

NM_001368809.2(AMPD2):c.1522C>T (p.Arg508Cys)

Genes: AMPD2 (adenosine monophosphate deaminase 2; plus strand), LOC126805822 (BRD4-independent group 4 enhancer GRCh37_chr1:110170748-110171947; plus strand). Cytogenetic location: 1p13.3.
Variant type: single nucleotide variant.
Coding change: c.1522C>T on transcript NM_001368809.2 (MANE Select); coding-DNA position 1522, C replaced by T.
Protein change: p.Arg508Cys; replaces arginine 508 with cysteine.
Molecular consequence: missense variant.
Genome position (GRCh38, 1-based): chr1:109,628,757, C>T. VCF-style: chr1-109628757-C-T. GRCh37 (hg19) VCF-style: chr1-110171379-C-T.
Other names: c.1684C>T (NM_001257360.1); c.1330C>T, p.Arg444Cys (NM_001257361.2); c.1459C>T, p.Arg487Cys (NM_001308170.1); c.1522C>T, p.Arg508Cys (NM_004037.9); c.1441C>T, p.Arg481Cys (NM_139156.4); short protein forms R481C, R508C, R444C, R487C.
Identifiers: ClinVar variation 939658 (VCV000939658.10), dbSNP rs146798795, ClinGen allele CA993126.
Genomic context (GRCh38, chr1:109,628,757, plus strand): 5'-TCCATTTACGGGCGCTCGAGGGATGAGTGGGACAAGCTGGCGCGCTGGGCCGTCATGCAC[C>T]GCGTGCACTCCCCCAACGTGCGCTGGCTGGTGCAGGTGCCCCGCCTCTTGTGAGTGTCCC-3'
Protein context (NP_001355738.1, residues 498-518): DKLARWAVMH[Arg508Cys]VHSPNVRWLV